The following is an entry in ClinVar:

ClinVar aggregate classification (germline): Uncertain significance (1 of 4 stars; one submission).

Allele frequency attached by ClinVar (database versions not stated): TOPMed below 0.00001; ExAC 0.00002.
gnomAD v4.1: 8 of 1,614,128 alleles (0.0005%); highest among the groups gnomAD compares: South Asian, 0.0022%; no homozygotes.

Submission:

Labcorp Genetics (formerly Invitae), Labcorp
Classification: Uncertain significance. Last evaluated: 2022-06-14. Review status: criteria provided, single submitter. Criteria: Invitae Variant Classification Sherloc (09022015). Collection method: clinical testing. Allele origin: germline.
Comment: This sequence change replaces arginine, which is basic and polar, with cysteine, which is neutral and slightly polar, at codon 622 of the DENND5A protein (p.Arg622Cys). This variant is present in population databases (rs767513507, gnomAD 0.003%). This variant has not been reported in the literature in individuals affected with DENND5A-related conditions. Algorithms developed to predict the effect of missense changes on protein structure and function are either unavailable or do not agree on the potential impact of this missense change (SIFT: "Deleterious"; PolyPhen-2: "Benign"; Align-GVGD: "Class C0"). In summary, the available evidence is currently insufficient to determine the role of this variant in disease. Therefore, it has been classified as a Variant of Uncertain Significance.

NM_015213.4(DENND5A):c.1864C>T (p.Arg622Cys)

Gene: DENND5A (DENN domain containing 5A; minus strand). Cytogenetic location: 11p15.4.
Variant type: single nucleotide variant.
Coding change: c.1864C>T on transcript NM_015213.4 (MANE Select); coding-DNA position 1864, C replaced by T.
Protein change: p.Arg622Cys; replaces arginine 622 with cysteine.
Molecular consequence: missense variant. On other transcripts: non-coding transcript variant (1).
Genome position (GRCh38, 1-based): chr11:9,178,174, G>A on the plus strand (C>T on the coding strand, the complement: DENND5A is on the minus strand). VCF-style: chr11-9178174-G-A. GRCh37 (hg19) VCF-style: chr11-9199721-G-A.
Other names: c.1864C>T, p.Arg622Cys (NM_001243254.2, NM_001348748.1); c.1792C>T, p.Arg598Cys (NM_001348749.2); c.1576C>T, p.Arg526Cys (NM_001348750.2); short protein forms R622C, R598C, R526C.
Identifiers: ClinVar variation 2172836 (VCV002172836.1), dbSNP rs767513507, ClinGen allele CA5877509.
Genomic context (GRCh38, chr11:9,178,174, plus strand): 5'-TTTCCAAGGAGGCCTTACCTGCTTCATCCACAGTGGTACACTTCTGGTACATGGATGTAC[G>A]GAGAGTAGGTGTCCGAACATTCAACAGCCTGATCTTGTCAACTCGGGAATCAAATACCCG-3'
Protein context (NP_056028.2, residues 612-632): RLLNVRTPTL[Arg622Cys]TSMYQKCTTV